The following is an entry in ClinVar:

NM_000545.8(HNF1A):c.654T>A (p.Tyr218Ter)

Gene: HNF1A (HNF1 homeobox A; plus strand). Cytogenetic location: 12q24.31.
Variant type: single nucleotide variant.
Coding change: c.654T>A on transcript NM_000545.8 (MANE Select); coding-DNA position 654, T replaced by A.
Protein change: p.Tyr218Ter; replaces tyrosine 218 with a stop codon.
Molecular consequence: nonsense.
Genome position (GRCh38, 1-based): chr12:120,993,647, T>A. VCF-style: chr12-120993647-T-A. GRCh37 (hg19) VCF-style: chr12-121431450-T-A.
Other names: c.654T>A, p.Tyr218Ter (NM_001306179.2, NM_001406915.1); short protein forms Y218*.
Identifiers: ClinVar variation 1807435 (VCV001807435.1), dbSNP rs1876936419, ClinGen allele CA386964804.

ClinVar aggregate classification (germline): Likely pathogenic (1 of 4 stars; one submission).

Allele frequency attached by ClinVar (database versions not stated): gnomAD exomes below 0.00001.
gnomAD v4.1: 2 of 1,614,048 alleles (0.00012%); highest among the groups gnomAD compares: Non-Finnish European, 0.00017%; no homozygotes.

Submission:

Athena Diagnostics
Classification: Likely pathogenic. Last evaluated: 2021-08-23. Review status: criteria provided, single submitter. Criteria: Athena Diagnostics Criteria. Collection method: clinical testing. Allele origin: unknown.
Comment: This variant is expected to result in the loss of a functional protein. This variant has not been reported in large, multi-ethnic general populations.

Literature cited by the submitters: PubMed 29493090.